The following is an entry in ClinVar:

NM_212482.4(FN1):c.4729+1G>T

Gene: FN1 (fibronectin 1; minus strand). Cytogenetic location: 2q35.
Variant type: single nucleotide variant.
Coding change: c.4729+1G>T on transcript NM_212482.4 (MANE Select); the canonical splice donor site of the intron after coding-DNA position 4729, G replaced by T.
Molecular consequence: splice donor variant.
Genome position (GRCh38, 1-based): chr2:215,384,859, C>A on the plus strand (G>T on the coding strand, the complement: FN1 is on the minus strand). VCF-style: chr2-215384859-C-A. GRCh37 (hg19) VCF-style: chr2-216249582-C-A.
Other names: c.4456+1G>T (NM_212474.3, NM_001306132.2, NM_001365523.2 and 7 more transcripts); c.4729+1G>T (NM_001306130.2, NM_001365522.2, NM_001365519.2 and 3 more transcripts).
Identifiers: ClinVar variation 4726973 (VCV004726973.1).

ClinVar aggregate classification (germline): Uncertain significance (1 of 4 stars; one submission).

Submission:

Labcorp Genetics (formerly Invitae), Labcorp
Classification: Uncertain significance. Last evaluated: 2025-09-22. Review status: criteria provided, single submitter. Criteria: Invitae Variant Classification Sherloc (09022015). Collection method: clinical testing. Allele origin: germline.
Comment: This sequence change affects a donor splice site in intron 29 of the FN1 gene. It is expected to disrupt RNA splicing. Variants that disrupt the donor or acceptor splice site typically lead to a loss of protein function (PMID: 16199547), however the current clinical and genetic evidence is not sufficient to establish whether loss-of-function variants in FN1 cause disease. This variant is not present in population databases (gnomAD no frequency). This variant has not been reported in the literature in individuals affected with FN1-related conditions. Algorithms developed to predict the effect of sequence changes on RNA splicing suggest that this variant may disrupt the consensus splice site. In summary, the available evidence is currently insufficient to determine the role of this variant in disease. Therefore, it has been classified as a Variant of Uncertain Significance.

Literature cited by the submitters: PubMed 16199547.